The following is an entry in ClinVar:

ClinVar aggregate classification (germline): Benign/Likely benign. Review status: criteria provided, multiple submitters, no conflicts (2 of 4 stars). 5 submissions from 5 submitters: Benign (3); Likely benign (1). 1 of the submissions does not count toward it. Last evaluated 2024-11-30.

Conditions:
Fleck corneal dystrophy (CFD). Also called: CORNEAL DYSTROPHY, FRANCOIS-NEETENS SPECKLED OR FLECKED. Identifiers: Orphanet 98970, MedGen C1562113, MONDO:0007376, OMIM 121850.
PIKFYVE-related disorder. Also called: PIKFYVE-related condition.

Allele frequency attached by ClinVar (database versions not stated): 1000 Genomes Project 0.00060; 1000 Genomes Project 30x 0.00062; ExAC 0.00065; gnomAD exomes 0.00069 and 0.00122; TOPMed 0.00078; gnomAD 0.00088; ESP Exome Variant Server 0.00115.
gnomAD v4.1: 1,923 of 1,614,124 alleles (0.12%); highest among the groups gnomAD compares: Non-Finnish European, 0.15%; 2 homozygotes.

Submissions (5):

Labcorp Genetics (formerly Invitae), Labcorp
Classification: Benign. Last evaluated: 2024-11-30. Review status: criteria provided, single submitter. Criteria: Invitae Variant Classification Sherloc (09022015). Collection method: clinical testing. Allele origin: germline.

CeGaT Center for Human Genetics Tuebingen
Classification: Likely benign. Last evaluated: 2024-02-01. Review status: criteria provided, single submitter. Criteria: CeGaT Center For Human Genetics Tuebingen Variant Classification Criteria Version 2. Collection method: clinical testing. Allele origin: germline. Affected: yes. Observed: 1 variant allele.
Comment: PIKFYVE: BP4, BP7

Illumina Laboratory Services, Illumina
Classification: Benign for Fleck corneal dystrophy. Last evaluated: 2018-01-12. Review status: criteria provided, single submitter. Criteria: ICSL Variant Classification Criteria 13 December 2019. Collection method: clinical testing. Allele origin: germline.
Comment: This variant was observed in the ICSL laboratory as part of a predisposition screen in an ostensibly healthy population. It had not been previously curated by ICSL or reported in the Human Gene Mutation Database (HGMD: prior to June 1st, 2018), and was therefore a candidate for classification through an automated scoring system. Utilizing variant allele frequency, disease prevalence and penetrance estimates, and inheritance mode, an automated score was calculated to assess if this variant is too frequent to cause the disease. Based on the score and internal cut-off values, a variant classified as benign is not then subjected to further curation. The score for this variant resulted in a classification of benign for this disease.

Breakthrough Genomics
Classification: Benign. Review status: criteria provided, single submitter. Criteria: ACMG Guidelines, 2015. Collection method: not provided. Allele origin: germline. Inheritance: Autosomal dominant inheritance. Affected: yes.

PreventionGenetics, part of Exact Sciences
Classification: Likely benign for PIKFYVE-related condition. Last evaluated: 2019-08-20. Review status: no assertion criteria provided. Collection method: clinical testing. Allele origin: germline. Not counted in ClinVar's aggregate classification.
Comment: This variant is classified as likely benign based on ACMG/AMP sequence variant interpretation guidelines (Richards et al. 2015 PMID: 25741868, with internal and published modifications).

NM_015040.4(PIKFYVE):c.2535T>C (p.Ser845=)

Gene: PIKFYVE (phosphoinositide kinase, FYVE-type zinc finger containing; plus strand). Cytogenetic location: 2q34.
Variant type: single nucleotide variant.
Coding change: c.2535T>C on transcript NM_015040.4 (MANE Select); coding-DNA position 2535, T replaced by C.
Protein change: p.Ser845=; no amino-acid change (serine 845 retained).
Molecular consequence: synonymous variant.
Genome position (GRCh38, 1-based): chr2:208,325,346, T>C. VCF-style: chr2-208325346-T-C. GRCh37 (hg19) VCF-style: chr2-209190070-T-C.
Identifiers: ClinVar variation 333902 (VCV000333902.32), dbSNP rs138885638, ClinGen allele CA2079873.